The following is an entry in ClinVar:

NM_206965.2(FTCD):c.367+6C>T

Gene: FTCD (formimidoyltransferase cyclodeaminase; minus strand). Cytogenetic location: 21q22.3.
Variant type: single nucleotide variant.
Coding change: c.367+6C>T on transcript NM_206965.2 (MANE Select); 6 bases into the intron after coding-DNA position 367, C replaced by T.
Molecular consequence: intron variant.
Genome position (GRCh38, 1-based): chr21:46,152,901, G>A on the plus strand (C>T on the coding strand, the complement: FTCD is on the minus strand). VCF-style: chr21-46152901-G-A. GRCh37 (hg19) VCF-style: chr21-47572815-G-A.
Other names: c.367+6C>T (NM_001320412.2, NM_006657.3).
Identifiers: ClinVar variation 2044555 (VCV002044555.4), dbSNP rs769062631, ClinGen allele CA10073967.

ClinVar aggregate classification (germline): Uncertain significance (1 of 4 stars; one submission).

Conditions:
Glutamate formiminotransferase deficiency. Also called: Formiminoglutamic aciduria; Arakawa syndrome 1. Identifiers: Orphanet 51208, MedGen C0268609, MONDO:0009240, OMIM 229100.

Allele frequency attached by ClinVar (database versions not stated): gnomAD exomes 0.00001; TOPMed 0.00002; gnomAD 0.00005.
gnomAD v4.1: 20 of 1,567,944 alleles (0.0013%); highest among the groups gnomAD compares: African/African-American, 0.0067%; no homozygotes.

Submission:

Labcorp Genetics (formerly Invitae), Labcorp
Classification: Uncertain significance for Glutamate formiminotransferase deficiency. Last evaluated: 2022-09-15. Review status: criteria provided, single submitter. Criteria: Invitae Variant Classification Sherloc (09022015). Collection method: clinical testing. Allele origin: germline.
Comment: This sequence change falls in intron 3 of the FTCD gene. It does not directly change the encoded amino acid sequence of the FTCD protein. It affects a nucleotide within the consensus splice site. The frequency data for this variant in the population databases is considered unreliable, as metrics indicate poor data quality at this position in the gnomAD database. This variant has not been reported in the literature in individuals affected with FTCD-related conditions. Variants that disrupt the consensus splice site are a relatively common cause of aberrant splicing (PMID: 17576681, 9536098). Algorithms developed to predict the effect of sequence changes on RNA splicing suggest that this variant is not likely to affect RNA splicing. In summary, the available evidence is currently insufficient to determine the role of this variant in disease. Therefore, it has been classified as a Variant of Uncertain Significance.

Literature cited by the submitters: PubMed 17576681; PubMed 9536098.